The following is an entry in ClinVar:

ClinVar aggregate classification (germline): Likely pathogenic (1 of 4 stars; one submission).

Submission:

Labcorp Genetics (formerly Invitae), Labcorp
Classification: Likely pathogenic. Last evaluated: 2024-10-23. Review status: criteria provided, single submitter. Criteria: Invitae Variant Classification Sherloc (09022015). Collection method: clinical testing. Allele origin: germline.
Comment: This variant, c.4458_4460del, results in the deletion of 1 amino acid(s) of the COL2A1 protein (p.Phe1486del), but otherwise preserves the integrity of the reading frame. This variant is not present in population databases (gnomAD no frequency). This variant has been observed in individual(s) with clinical features of COL2A1-related conditions (PMID: 22495950; internal data). In at least one individual the variant was observed to be de novo. In summary, the currently available evidence indicates that the variant is pathogenic, but additional data are needed to prove that conclusively. Therefore, this variant has been classified as Likely Pathogenic.

Literature cited by the submitters: PubMed 22495950.

NM_001844.5(COL2A1):c.4455CTT[1] (p.Phe1486del)

Gene: COL2A1 (collagen type II alpha 1 chain; minus strand). Cytogenetic location: 12q13.11.
Variant type: Microsatellite.
Coding change: c.4455CTT[1] on transcript NM_001844.5 (MANE Select); one copy of the 3-base unit CTT starting at c.4455; the reference has two copies in a row; one copy, 3 bases deleted.
Protein change: p.Phe1486del; deletes phenylalanine 1486.
Molecular consequence: inframe deletion.
Genome position (GRCh38, 1-based): chr12:47,973,411-47,973,413, AAG deleted on the plus strand (CTT on the coding strand, the reverse complement: COL2A1 is on the minus strand); deleting any 3 consecutive bases within chr12:47,973,411-47,973,416 gives the same sequence; the position shown is the placement nearest the transcript's 3' end. VCF-style (leftmost placement, unchanged base first): chr12-47973410-CAAG-C. GRCh37 (hg19) VCF-style: chr12-48367193-CAAG-C.
Other names: c.4248CTT[1], p.Phe1417del (NM_033150.3); short protein forms F1417del, F1486del.
Identifiers: ClinVar variation 2137322 (VCV002137322.4), dbSNP rs763390467, ClinGen allele CA1139655444.